The following is an entry in ClinVar:

ClinVar aggregate classification (germline): Uncertain significance (1 of 4 stars; one submission).

Submission:

GeneDx
Classification: Uncertain significance. Last evaluated: 2022-01-07. Review status: criteria provided, single submitter. Criteria: GeneDx Variant Classification Process June 2021. Collection method: clinical testing. Allele origin: germline. Affected: yes.
Comment: Not observed at significant frequency in large population cohorts (gnomAD); In silico analysis supports that this missense variant does not alter protein structure/function; Has not been previously published as pathogenic or benign to our knowledge

NM_144573.4(NEXN):c.1232T>A (p.Leu411Gln)

Gene: NEXN (nexilin F-actin binding protein; plus strand). Cytogenetic location: 1p31.1.
Variant type: single nucleotide variant.
Coding change: c.1232T>A on transcript NM_144573.4 (MANE Select); coding-DNA position 1232, T replaced by A.
Protein change: p.Leu411Gln; replaces leucine 411 with glutamine.
Molecular consequence: missense variant.
Genome position (GRCh38, 1-based): chr1:77,933,460, T>A. VCF-style: chr1-77933460-T-A. GRCh37 (hg19) VCF-style: chr1-78399145-T-A.
Other names: c.1040T>A, p.Leu347Gln (NM_001172309.2); short protein forms L347Q, L411Q.
Identifiers: ClinVar variation 1695763 (VCV001695763.2), dbSNP rs2102147101, ClinGen allele CA340877220.